The following is an entry in ClinVar:

NM_001323289.2(CDKL5):c.292G>T (p.Glu98Ter)

Gene: CDKL5 (cyclin dependent kinase like 5; plus strand). Cytogenetic location: Xp22.13.
Variant type: single nucleotide variant.
Coding change: c.292G>T on transcript NM_001323289.2 (MANE Select); coding-DNA position 292, G replaced by T.
Protein change: p.Glu98Ter; replaces glutamic acid 98 with a stop codon.
Molecular consequence: nonsense.
Genome position (GRCh38, 1-based): chrX:18,579,857, G>T. VCF-style: chrX-18579857-G-T. GRCh37 (hg19) VCF-style: chrX-18597977-G-T.
Other names: c.292G>T, p.Glu98Ter (NM_001037343.2, NM_003159.3); short protein forms E98*.
Identifiers: ClinVar variation 1193529 (VCV001193529.2), dbSNP rs2147142586, ClinGen allele CA412349790.

ClinVar aggregate classification (germline): Pathogenic (1 of 4 stars; one submission).

Submission:

GeneDx
Classification: Pathogenic. Last evaluated: 2019-07-17. Review status: criteria provided, single submitter. Criteria: GeneDx Variant Classification Process June 2021. Collection method: clinical testing. Allele origin: germline. Affected: yes.
Comment: Nonsense variant predicted to result in protein truncation or nonsense mediated decay in a gene for which loss-of-function is a known mechanism of disease; Not observed in large population cohorts (Lek et al., 2016); Has not been previously published as pathogenic or benign to our knowledge